The following is an entry in ClinVar:

NM_001112741.2(KCNC1):c.369C>T (p.Gly123=)

Gene: KCNC1 (potassium voltage-gated channel subfamily C member 1; plus strand). Cytogenetic location: 11p15.1.
Variant type: single nucleotide variant.
Coding change: c.369C>T on transcript NM_001112741.2 (MANE Select); coding-DNA position 369, C replaced by T.
Protein change: p.Gly123=; no amino-acid change (glycine 123 retained).
Molecular consequence: synonymous variant.
Genome position (GRCh38, 1-based): chr11:17,736,371, C>T. VCF-style: chr11-17736371-C-T. GRCh37 (hg19) VCF-style: chr11-17757918-C-T.
Other names: c.369C>T, p.Gly123= (NM_004976.4).
Identifiers: ClinVar variation 4682329 (VCV004682329.1).

ClinVar aggregate classification (germline): Uncertain significance (1 of 4 stars; one submission).

gnomAD v4.1: 1 of 1,611,970 alleles (0.000062%); highest among the groups gnomAD compares: Non-Finnish European, 0.000085%; no homozygotes.

Submission:

Athena Diagnostics
Classification: Uncertain significance. Last evaluated: 2025-08-26. Review status: criteria provided, single submitter. Criteria: Athena Diagnostics Criteria. Collection method: clinical testing. Allele origin: unknown.
Comment: Available data are insufficient to determine the clinical significance of the variant at this time. This variant has not been reported in large, multi-ethnic general populations. Computational tools yielded predictions that this variant is unlikely to have an effect on normal RNA splicing.